The following is an entry in ClinVar:

ClinVar aggregate classification (germline): Uncertain significance (1 of 4 stars; one submission).

gnomAD v4.1: 20 of 1,614,040 alleles (0.0012%); highest among the groups gnomAD compares: Non-Finnish European, 0.0016%; no homozygotes.

Submission:

Labcorp Genetics (formerly Invitae), Labcorp
Classification: Uncertain significance. Last evaluated: 2025-08-14. Review status: criteria provided, single submitter. Criteria: Invitae Variant Classification Sherloc (09022015). Collection method: clinical testing. Allele origin: germline.
Comment: This sequence change replaces arginine, which is basic and polar, with glycine, which is neutral and non-polar, at codon 111 of the SLC4A1 protein (p.Arg111Gly). This variant is present in population databases (rs13306774, gnomAD 0.005%). This variant has not been reported in the literature in individuals affected with SLC4A1-related conditions. ClinVar contains an entry for this variant (Variation ID: 3719146). Invitae Evidence Modeling of protein sequence and biophysical properties (such as structural, functional, and spatial information, amino acid conservation, physicochemical variation, residue mobility, and thermodynamic stability) indicates that this missense variant is not expected to disrupt SLC4A1 protein function with a negative predictive value of 80%. In summary, the available evidence is currently insufficient to determine the role of this variant in disease. Therefore, it has been classified as a Variant of Uncertain Significance.

NM_000342.4(SLC4A1):c.331C>G (p.Arg111Gly)

Gene: SLC4A1 (solute carrier family 4 member 1 (Diego blood group); minus strand). Cytogenetic location: 17q21.31.
Variant type: single nucleotide variant.
Coding change: c.331C>G on transcript NM_000342.4 (MANE Select); coding-DNA position 331, C replaced by G.
Protein change: p.Arg111Gly; replaces arginine 111 with glycine.
Molecular consequence: missense variant.
Genome position (GRCh38, 1-based): chr17:44,260,653, G>C on the plus strand (C>G on the coding strand, the complement: SLC4A1 is on the minus strand). VCF-style: chr17-44260653-G-C. GRCh37 (hg19) VCF-style: chr17-42338021-G-C.
Other names: short protein forms R111G.
Identifiers: ClinVar variation 3719146 (VCV003719146.2).